The following is an entry in ClinVar:

NM_001357.5(DHX9):c.3760G>T (p.Gly1254Trp)

Gene: DHX9 (DExH-box helicase 9; plus strand). Cytogenetic location: 1q25.3.
Variant type: single nucleotide variant.
Coding change: c.3760G>T on transcript NM_001357.5 (MANE Select); coding-DNA position 3760, G replaced by T.
Protein change: p.Gly1254Trp; replaces glycine 1254 with tryptophan.
Molecular consequence: missense variant. On other transcripts: non-coding transcript variant (1).
Genome position (GRCh38, 1-based): chr1:182,887,381, G>T. VCF-style: chr1-182887381-G-T. GRCh37 (hg19) VCF-style: chr1-182856516-G-T.
Other names: short protein forms G1254W.
Identifiers: ClinVar variation 2692451 (VCV002692451.1), dbSNP rs2526469223, ClinGen allele CA343675649.

ClinVar aggregate classification (germline): Uncertain significance (1 of 4 stars; one submission).

Submission:

Greenwood Genetic Center Diagnostic Laboratories, Greenwood Genetic Center
Classification: Uncertain significance. Last evaluated: 2023-11-08. Review status: criteria provided, single submitter. Criteria: ACMG Guidelines, 2015. Collection method: clinical testing. Allele origin: germline. Affected: yes.
Comment: Gene of Uncertain Significance